The following is an entry in ClinVar:

NM_000069.3(CACNA1S):c.1984G>C (p.Asp662His)

Gene: CACNA1S (calcium voltage-gated channel subunit alpha1 S; minus strand). Cytogenetic location: 1q32.1.
Variant type: single nucleotide variant.
Coding change: c.1984G>C on transcript NM_000069.3 (MANE Select); coding-DNA position 1984, G replaced by C.
Protein change: p.Asp662His; replaces aspartic acid 662 with histidine.
Molecular consequence: missense variant.
Genome position (GRCh38, 1-based): chr1:201,074,585, C>G on the plus strand (G>C on the coding strand, the complement: CACNA1S is on the minus strand). VCF-style: chr1-201074585-C-G. GRCh37 (hg19) VCF-style: chr1-201043713-C-G.
Other names: c.1984G>C (NM_000069.2); short protein forms D662H.
Identifiers: ClinVar variation 3070171 (VCV003070171.3), dbSNP rs1304993462, ClinGen allele CA344115152.
Genomic context (GRCh38, chr1:201,074,585, plus strand): 5'-TTTTCTCCTCAGCCTTGGCCTTCTGGGCAGAAGTCAGGCTCTCCGCCTCGGCCAGGTTGT[C>G]CACGGCAATGGCCAGGAAGACATTGAGCAGGATGTCTGAGCGGGTTTAGCTAAGGAGCCT-3'
Protein context (NP_000060.2, residues 652-672): LLNVFLAIAV[Asp662His]NLAEAESLTS

ClinVar aggregate classification (germline): Conflicting classifications of pathogenicity. Review status: criteria provided, conflicting classifications (1 of 4 stars). 3 submissions from 3 submitters: Likely pathogenic (1); Uncertain significance (2). Last evaluated 2025-02-07.

Conditions:
Congenital nuclear cataract. Identifiers: MedGen C0158551, HP:0008024.
Malignant hyperthermia, susceptibility to, 5 (MHS5). Also called: CACNA1S-Related Malignant Hyperthermia Susceptibility. Identifiers: Orphanet 423, MedGen C1866077, MONDO:0011163, OMIM 601887.

gnomAD v4.1: 1 of 1,613,846 alleles (0.000062%); highest among the groups gnomAD compares: Non-Finnish European, 0.000085%; no homozygotes.

Submissions (3):

Molecular Medicine Center, Medical University of Sofia
Classification: Likely pathogenic for Congenital nuclear cataract. Last evaluated: 2025-02-07. Review status: criteria provided, single submitter. Criteria: ACMG Guidelines, 2015. Collection method: research. Allele origin: germline. Affected: yes.
Comment: This variant was found to co-segregate with nuclear cataract, ptosis, nystagmus, secondary glaucoma, hypotonia, retrognatia, high-archedpalate, facial dysmorphism. Variant is classified as likely pathogenic according to the ACMG criteria: PM1, PM2, PP3, PP1.

GeneDx
Classification: Uncertain significance. Last evaluated: 2024-12-12. Review status: criteria provided, single submitter. Criteria: GeneDx Variant Classification Process June 2021. Collection method: clinical testing. Allele origin: germline. Affected: yes.
Comment: Not observed at significant frequency in large population cohorts (gnomAD); In silico analysis supports that this missense variant has a deleterious effect on protein structure/function; Has not been previously published as pathogenic or benign to our knowledge

All of Us Research Program, National Institutes of Health
Classification: Uncertain significance for Malignant hyperthermia, susceptibility to, 5. Last evaluated: 2023-04-03. Review status: criteria provided, single submitter. Criteria: ACMG Guidelines, 2015. Collection method: clinical testing. Allele origin: germline. Inheritance: Autosomal dominant inheritance. Observed: 1 variant allele, 1 heterozygote.
Comment: This missense variant replaces aspartic acid with histidine at codon 662 of the CACNA1S protein. Computational prediction suggests that this variant may have deleterious impact on protein structure and function (internally defined REVEL score threshold >= 0.7, PMID: 27666373). To our knowledge, functional studies have not been reported for this variant. This variant has not been reported in individuals affected with CACNA1S-related disorders in the literature. This variant has not been identified in the general population by the Genome Aggregation Database (gnomAD). The available evidence is insufficient to determine the role of this variant in disease conclusively. Therefore, this variant is classified as a Variant of Uncertain Significance.

This study involves interpretation of variants in research participants for the purpose of population health screening. Participant phenotype was not available at the time of variant classification. Additional details can be found in publication PMID: 35346344, PMCID: PMC8962531